The following is an entry in ClinVar:

ClinVar aggregate classification (germline): Uncertain significance (1 of 4 stars; one submission).

Conditions:
Sphingolipid activator protein 1 deficiency. Also called: METACHROMATIC LEUKODYSTROPHY DUE TO CEREBROSIDE SULFATASE ACTIVATOR DEFICIENCY; Saposin B Deficiency; Metachromatic leukodystrophy due to saposin B deficiency. Identifiers: Orphanet 512, MedGen C0268262, MONDO:0009590, OMIM 249900.

Allele frequency attached by ClinVar (database versions not stated): gnomAD 0.00001; gnomAD exomes 0.00001.

Submission:

Labcorp Genetics (formerly Invitae), Labcorp
Classification: Uncertain significance for Sphingolipid activator protein 1 deficiency. Last evaluated: 2022-09-13. Review status: criteria provided, single submitter. Criteria: Invitae Variant Classification Sherloc (09022015). Collection method: clinical testing. Allele origin: germline.
Comment: This sequence change replaces histidine with tyrosine at codon 399 of the PSAP protein (p.His399Tyr). The histidine residue is moderately conserved and there is a moderate physicochemical difference between histidine and tyrosine. This variant is present in population databases (no rsID available, gnomAD 0.003%). This variant has not been reported in the literature in individuals affected with PSAP-related conditions. Algorithms developed to predict the effect of missense changes on protein structure and function are either unavailable or do not agree on the potential impact of this missense change (SIFT: "Not Available"; PolyPhen-2: "Benign"; Align-GVGD: "Not Available"). Algorithms developed to predict the effect of sequence changes on RNA splicing suggest that this variant may create or strengthen a splice site. In summary, the available evidence is currently insufficient to determine the role of this variant in disease. Therefore, it has been classified as a Variant of Uncertain Significance.

NM_002778.4(PSAP):c.1195C>T (p.His399Tyr)

Gene: PSAP (prosaposin; minus strand). Cytogenetic location: 10q22.1.
Variant type: single nucleotide variant.
Coding change: c.1195C>T on transcript NM_002778.4 (MANE Select); coding-DNA position 1195, C replaced by T.
Protein change: p.His399Tyr; replaces histidine 399 with tyrosine.
Molecular consequence: missense variant.
Genome position (GRCh38, 1-based): chr10:71,819,620, G>A on the plus strand (C>T on the coding strand, the complement: PSAP is on the minus strand). VCF-style: chr10-71819620-G-A. GRCh37 (hg19) VCF-style: chr10-73579377-G-A.
Other names: c.1204C>T, p.His402Tyr (NM_001042465.3); c.1201C>T, p.His401Tyr (NM_001042466.3); short protein forms H399Y, H401Y, H402Y.
Identifiers: ClinVar variation 2420384 (VCV002420384.4), dbSNP rs1199524086, ClinGen allele CA377143834.
Genomic context (GRCh38, chr10:71,819,620, plus strand): 5'-AATAACCCACCAGCTTCTTGCACACTTCGCAGAAGCCACCGTCCTTTGGCTGAGTCACGT[G>A]AACTACATAAGAGGGCAGCGGGCTCAACGCTGGCAGGGCCCTCCCAGACCCAAGAGGGGC-3'
Protein context (NP_002769.1, residues 389-409): SGTRLPALTV[His399Tyr]VTQPKDGGFC